The following is an entry in ClinVar:

NM_007194.4(CHEK2):c.920G>A (p.Gly307Glu)

Gene: CHEK2 (checkpoint kinase 2; minus strand). Cytogenetic location: 22q12.1.
Variant type: single nucleotide variant.
Coding change: c.920G>A on transcript NM_007194.4 (MANE Select); coding-DNA position 920, G replaced by A.
Protein change: p.Gly307Glu; replaces glycine 307 with glutamic acid.
Molecular consequence: missense variant.
Genome position (GRCh38, 1-based): chr22:28,699,926, C>T on the plus strand (G>A on the coding strand, the complement: CHEK2 is on the minus strand). VCF-style: chr22-28699926-C-T. GRCh37 (hg19) VCF-style: chr22-29095914-C-T.
Other names: c.1049G>A, p.Gly350Glu (NM_001005735.3); c.257G>A, p.Gly86Glu (NM_001257387.3); c.719G>A, p.Gly240Glu (NM_001349956.3); c.920G>A, p.Gly307Glu (NM_145862.3); short protein forms G307E, G350E, G86E, G240E.
Identifiers: ClinVar variation 234497 (VCV000234497.20), dbSNP rs876661053, ClinGen allele CA10577635.

ClinVar aggregate classification (germline): Uncertain significance. Review status: criteria provided, multiple submitters, no conflicts (2 of 4 stars). 7 submissions from 7 submitters: Uncertain significance (6). 1 of the submissions does not count toward it. Last evaluated 2025-05-18.

Conditions:
Hereditary cancer-predisposing syndrome. Also called: Hereditary neoplastic syndrome; Hereditary Cancer Syndrome; Neoplastic Syndromes, Hereditary; Tumor predisposition. Identifiers: Orphanet 140162, MedGen C0027672, MeSH D009386, MONDO:0015356.
Bone osteosarcoma. Also called: Osteosarcoma, somatic. Identifiers: Orphanet 668, MedGen C0585442, MONDO:0002629, OMIM 259500.
CHEK2-related cancer predisposition (TPDS4). Also called: CANCER PREDISPOSITION SYNDROME, CHEK2-RELATED; TUMOR PREDISPOSITION SYNDROME 4; CHEK2-related cancer susceptibility. Identifiers: Orphanet 524, MedGen C5882668, MONDO:0700271, OMIM 609265.
Prostate cancer. Also called: Malignant tumor of prostate. Identifiers: Orphanet 1331, MedGen C0376358, MONDO:0008315, HP:0012125.
Familial cancer of breast. Also called: hereditary breast carcinoma; BREAST CANCER, FAMILIAL; Hereditary breast cancer. Identifiers: Orphanet 227535, MedGen C0346153, MONDO:0016419, OMIM 114480. Disease mechanism: loss of function.
Colorectal cancer. Also called: Colorectal cancer, somatic; Malignant Colorectal Neoplasm. Identifiers: MedGen C0346629, MONDO:0005575, OMIM 114500.

Allele frequency attached by ClinVar (database versions not stated): gnomAD exomes below 0.00001.
gnomAD v4.1: 3 of 1,613,582 alleles (0.00019%); highest among the groups gnomAD compares: Non-Finnish European, 0.00025%; no homozygotes.

Submissions (7):

Labcorp Genetics (formerly Invitae), Labcorp
Classification: Uncertain significance for Familial cancer of breast. Last evaluated: 2025-05-18. Review status: criteria provided, single submitter. Criteria: Invitae Variant Classification Sherloc (09022015). Collection method: clinical testing. Allele origin: germline.
Comment: This sequence change replaces glycine, which is neutral and non-polar, with glutamic acid, which is acidic and polar, at codon 307 of the CHEK2 protein (p.Gly307Glu). This variant is not present in population databases (gnomAD no frequency). This variant has not been reported in the literature in individuals affected with CHEK2-related conditions. ClinVar contains an entry for this variant (Variation ID: 234497). An algorithm developed to predict the effect of missense changes on protein structure and function (PolyPhen-2) suggests that this variant is likely to be disruptive. In summary, the available evidence is currently insufficient to determine the role of this variant in disease. Therefore, it has been classified as a Variant of Uncertain Significance.

Baylor Genetics
Classification: Uncertain significance for Familial cancer of breast. Last evaluated: 2023-10-16. Review status: criteria provided, single submitter. Criteria: ACMG Guidelines, 2015. Collection method: clinical testing. Allele origin: unknown.

Ambry Genetics
Classification: Uncertain significance for Hereditary cancer-predisposing syndrome. Last evaluated: 2023-06-14. Review status: criteria provided, single submitter. Criteria: Ambry Variant Classification Scheme 2023. Collection method: clinical testing. Allele origin: germline.
Comment: The p.G307E variant (also known as c.920G>A), located in coding exon 8 of the CHEK2 gene, results from a G to A substitution at nucleotide position 920. The glycine at codon 307 is replaced by glutamic acid, an amino acid with similar properties. This amino acid position is highly conserved in available vertebrate species. In addition, this alteration is predicted to be deleterious by in silico analysis. Since supporting evidence is limited at this time, the clinical significance of this alteration remains unclear.

Myriad Genetics, Inc.
Classification: Uncertain significance for Familial cancer of breast. Last evaluated: 2023-03-08. Review status: criteria provided, single submitter. Criteria: Myriad Autosomal Dominant, Autosomal Recessive and X-Linked Classification Criteria (2023). Collection method: clinical testing. Allele origin: unknown.
Comment: This variant is classified as a variant of uncertain significance as there is insufficient evidence to determine its impact on protein function and/or cancer risk.

Fulgent Genetics
Classification: Uncertain significance for Familial cancer of breast; Colorectal cancer; Familial prostate cancer; Bone osteosarcoma; CHEK2-related cancer predisposition. Last evaluated: 2022-04-10. Review status: criteria provided, single submitter. Criteria: ACMG Guidelines, 2015. Collection method: clinical testing. Allele origin: unknown.

GeneDx
Classification: Uncertain significance. Last evaluated: 2016-02-29. Review status: criteria provided, single submitter. Criteria: GeneDx Variant Classification (06012015). Collection method: clinical testing. Allele origin: germline. Affected: yes.
Comment: This variant is denoted CHEK2 c.920G>A at the cDNA level, p.Gly307Glu (G307E) at the protein level, and results in the change of a Glycine to a Glutamic Acid (GGA>GAA). This variant has not, to our knowledge, been published in the literature as pathogenic or benign. CHEK2 Gly307Glu was not observed in approximately 6,500 individuals of European and African American ancestry in the NHLBI Exome Sequencing Project, indicating it is not a common benign variant in these populations. Since Glycine and Glutamic Acid differ in polarity, charge, size or other properties, this is considered a non-conservative amino acid substitution. CHEK2 Gly307Glu occurs at a position that is conserved across species and is located in the protein kinase domain and an ATP binding region (Roeb 2012, UniProt). In silico analyses predict that this variant is probably damaging to protein structure and function. Based on currently available information, it is unclear whether CHEK2 Gly307Glu is pathogenic or benign. We consider it to be a variant of uncertain significance.

Counsyl
Classification: Uncertain significance for Familial cancer of breast. Last evaluated: 2018-01-04. Review status: no assertion criteria provided. Collection method: clinical testing. Allele origin: unknown. Not counted in ClinVar's aggregate classification.